The following is an entry in ClinVar:

ClinVar aggregate classification (germline): Pathogenic (1 of 4 stars; one submission).

Conditions:
Peroxisome biogenesis disorder 5A (Zellweger) (PBD5A). Identifiers: Orphanet 912, MedGen C3553940, MONDO:0013932, OMIM 614866.

Submission:

Labcorp Genetics (formerly Invitae), Labcorp
Classification: Pathogenic for Peroxisome biogenesis disorder 5A (Zellweger). Last evaluated: 2025-03-13. Review status: criteria provided, single submitter. Criteria: Invitae Variant Classification Sherloc (09022015). Collection method: clinical testing. Allele origin: germline.
Comment: This sequence change creates a premature translational stop signal (p.Tyr85*) in the PEX2 gene. While this is not anticipated to result in nonsense mediated decay, it is expected to disrupt the last 221 amino acid(s) of the PEX2 protein. This variant is not present in population databases (gnomAD no frequency). This variant has not been reported in the literature in individuals affected with PEX2-related conditions. This variant disrupts a region of the PEX2 protein in which other variant(s) (p.Lys215Serfs*2) have been determined to be pathogenic (PMID: 10652207; internal data). This suggests that this is a clinically significant region of the protein, and that variants that disrupt it are likely to be disease-causing. For these reasons, this variant has been classified as Pathogenic.

Literature cited by the submitters: PubMed 10652207.

NM_000318.3(PEX2):c.255C>A (p.Tyr85Ter)

Gene: PEX2 (peroxisomal biogenesis factor 2; minus strand). Cytogenetic location: 8q21.13.
Variant type: single nucleotide variant.
Coding change: c.255C>A on transcript NM_000318.3 (MANE Select); coding-DNA position 255, C replaced by A.
Protein change: p.Tyr85Ter; replaces tyrosine 85 with a stop codon.
Molecular consequence: nonsense.
Genome position (GRCh38, 1-based): chr8:76,983,924, G>T on the plus strand (C>A on the coding strand, the complement: PEX2 is on the minus strand). VCF-style: chr8-76983924-G-T. GRCh37 (hg19) VCF-style: chr8-77896160-G-T.
Other names: c.255C>A, p.Tyr85Ter (NM_001079867.2, NM_001172086.2, NM_001172087.2); short protein forms Y85*.
Identifiers: ClinVar variation 4714980 (VCV004714980.1).